The following is an entry in ClinVar:

NM_020461.4(TUBGCP6):c.4091G>A (p.Ser1364Asn)

Gene: TUBGCP6 (tubulin gamma complex component 6; minus strand). Cytogenetic location: 22q13.33.
Variant type: single nucleotide variant.
Coding change: c.4091G>A on transcript NM_020461.4 (MANE Select); coding-DNA position 4091, G replaced by A.
Protein change: p.Ser1364Asn; replaces serine 1364 with asparagine.
Molecular consequence: missense variant.
Genome position (GRCh38, 1-based): chr22:50,220,268, C>T on the plus strand (G>A on the coding strand, the complement: TUBGCP6 is on the minus strand). VCF-style: chr22-50220268-C-T. GRCh37 (hg19) VCF-style: chr22-50658697-C-T.
Other names: short protein forms S1364N.
Identifiers: ClinVar variation 1437266 (VCV001437266.6), dbSNP rs1178058039, ClinGen allele CA412177165.
Genomic context (GRCh38, chr22:50,220,268, plus strand): 5'-GTCCCACAGTCCCACTCCTGACCACCAGCCACCCTACTCTGACCTAGTTCTTCAGAGACA[C>T]TGTCTCCCGGGGTGTTGGGCCACCATGGTTGGGTGGGAGCCACGTCTGACACGTTCTCCC-3'
Protein context (NP_065194.3, residues 1354-1374): QPWWPNTPGD[Ser1364Asn]VSEELGPGRS

ClinVar aggregate classification (germline): Uncertain significance (1 of 4 stars; one submission).

Submission:

Labcorp Genetics (formerly Invitae), Labcorp
Classification: Uncertain significance. Last evaluated: 2022-09-13. Review status: criteria provided, single submitter. Criteria: Invitae Variant Classification Sherloc (09022015). Collection method: clinical testing. Allele origin: germline.
Comment: This variant has not been reported in the literature in individuals affected with TUBGCP6-related conditions. ClinVar contains an entry for this variant (Variation ID: 1437266). Algorithms developed to predict the effect of missense changes on protein structure and function (SIFT, PolyPhen-2, Align-GVGD) all suggest that this variant is likely to be tolerated. In summary, the available evidence is currently insufficient to determine the role of this variant in disease. Therefore, it has been classified as a Variant of Uncertain Significance. This variant is not present in population databases (gnomAD no frequency). This sequence change replaces serine, which is neutral and polar, with asparagine, which is neutral and polar, at codon 1364 of the TUBGCP6 protein (p.Ser1364Asn).